The following is an entry in ClinVar:

NM_153365.3(TAPT1):c.1319T>C (p.Ile440Thr)

Gene: TAPT1 (transmembrane anterior posterior transformation 1; minus strand). Cytogenetic location: 4p15.32.
Variant type: single nucleotide variant.
Coding change: c.1319T>C on transcript NM_153365.3 (MANE Select); coding-DNA position 1319, T replaced by C.
Protein change: p.Ile440Thr; replaces isoleucine 440 with threonine.
Molecular consequence: missense variant.
Genome position (GRCh38, 1-based): chr4:16,166,788, A>G on the plus strand (T>C on the coding strand, the complement: TAPT1 is on the minus strand). VCF-style: chr4-16166788-A-G. GRCh37 (hg19) VCF-style: chr4-16168411-A-G.
Other names: short protein forms I440T.
Identifiers: ClinVar variation 2428955 (VCV002428955.3), dbSNP rs775884805, ClinGen allele CA2867301.
Genomic context (GRCh38, chr4:16,166,788, plus strand): 5'-TCCTTCACATACTGGCACGATTTCCCCAACAGCACGATGCTATTAAGTACTTTCAGGGAT[A>G]TCAACCTAAAAACAGAAACAAAACAAACCACATCCGTTGGAATTCATCTAAATCCCTGTG-3'
Protein context (NP_699196.2, residues 430-450): ACVILFYFGL[Ile440Thr]SLKVLNSIVL

ClinVar aggregate classification (germline): Uncertain significance (1 of 4 stars; one submission).

Allele frequency attached by ClinVar (database versions not stated): gnomAD exomes below 0.00001; ExAC 0.00001; gnomAD 0.00001.
gnomAD v4.1: 4 of 1,613,460 alleles (0.00025%); highest among the groups gnomAD compares: Admixed American, 0.0017%; no homozygotes.

Submission:

GeneDx
Classification: Uncertain significance. Last evaluated: 2022-08-02. Review status: criteria provided, single submitter. Criteria: GeneDx Variant Classification Process June 2021. Collection method: clinical testing. Allele origin: germline. Affected: yes.
Comment: Not observed at significant frequency in large population cohorts (gnomAD); In silico analysis supports that this missense variant does not alter protein structure/function; Has not been previously published as pathogenic or benign to our knowledge